The following is an entry in ClinVar:

ClinVar aggregate classification (germline): Pathogenic. Review status: reviewed by expert panel (3 of 4 stars). 8 submissions from 8 submitters: Pathogenic (1). 7 of the submissions do not count toward it. Last evaluated 2026-07-10.

Conditions:
Glycogen storage disease, type II (IOPD). Also called: POMPE DISEASE, INFANTILE-ONSET; GLYCOGEN STORAGE DISEASE II, INFANTILE-ONSET; ACID ALPHA-GLUCOSIDASE DEFICIENCY, INFANTILE-ONSET; GAA DEFICIENCY, INFANTILE-ONSET; ACID MALTASE DEFICIENCY, INFANTILE-ONSET; Glycogen storage disease type 2. Identifiers: Orphanet 365, MedGen C0017921, MONDO:0009290, OMIM 232300.

Allele frequency attached by ClinVar (database versions not stated): gnomAD exomes below 0.00001.
gnomAD v4.1: 3 of 1,612,144 alleles (0.00019%); highest among the groups gnomAD compares: Admixed American, 0.0017%; no homozygotes.

Submissions (8):

ClinGen Lysosomal Storage Disorder Variant Curation Expert Panel
Classification: Pathogenic for Glycogen storage disease, type II. Last evaluated: 2026-07-10. Review status: reviewed by expert panel. Criteria: clingen_lsd_acmg_specifications_v2-1. Collection method: curation. Allele origin: germline. Inheritance: Autosomal recessive inheritance.
Comment: This variant, c.1437+1G>A, alters the donor splice site of intron 9. Based on RT-PCR results from a patient who is compound heterozygous for the variant, this results in skipping of exon 9, which leads to an in frame deletion of p.Asp443_Lys479del (PMID 22676651), including part of the GAA catalytic barrel (PMID 22253258). Western blot analysis of protein extracted from cultured skin fibroblasts from a patient who is homozygous for the variant revealed that the patient was positive from cross-reactive immunological material, supporting that the variant results in an in-frame consequence (PMID 22252923) (PVS1_Strong). At least 3 patients with this variant with symptoms consistent with Pompe disease and documented laboratory values showing deficiency of GAA activity have been reported (PMIDs 22252923, 22676651, 33073003) (PP4_Moderate). One patient with infantile onset Pompe disease is compound heterozygous for the variant and another variant in GAA, c.2227C>T (p.Gln743Ter), that has been classified as pathogenic for Pompe disease by the Clingen LD VCEP; the phase is unconfirmed (PMID: 33073003, 0.5 points). Another patient with Pompe disease is homozygous for the variant (PMID: 22252923, 0.5 points; PMID: 22555271 could be reporting the same patient but not confirmed). Another patient has been reported with the variant in trans with c.1076-22G>A (PMID 22676651). In trans data from this patient will be used in the assessment of c.1076-22G>A and is not included here in order to avoid a circular argument. Furthermore, various newborn screening studies have identified infants who are heterozygous (carriers) for the variant, or zygosity is not available (PMID: 33073007, 33073027). Total 1 point (PM3). The highest population minor allele frequency in gnomAD v4.1.0. is 0.00001666 (1/60022 alleles) in the Admixed American population, which is lower than the ClinGen LD VCEP’s threshold for PM2_Supporting (<0.001), meeting this criterion (PM2_Supporting). Another variant in the same splice donor dinucleotide, c.1437+2T>C (ClinVar Variation ID: 849313), has been classified as pathogenic by the ClinGen LD VCEP (PS1 applied based on PMID: 37352859, Table 2). There is a ClinVar entry for this variant (Variation ID: 555864). In summary, this variant meets the criteria to be classified as pathogenic for Pompe disease. GAA-specific ACMG/AMP criteria applied, as specified by the ClinGen Lysosomal Diseases Variant Curation Expert Panel (Specifications Version 2.0): PS1, PVS1_Strong, PM2_Supporting, PM3, PP4_Moderate. (Classification approved by the ClinGen Lysosomal Diseases Variant Curation Expert Panel on July 10, 2026)

Genomenon, Inc
Classification: Likely pathogenic for Glycogen storage disease, type II. Last evaluated: 2026-07-01. Review status: criteria provided, single submitter. Criteria: Genomenon Sequence Variant Interpretation Standards - Updated. Collection method: curation. Allele origin: germline. Affected: yes. Not counted in ClinVar's aggregate classification.
Comment: GAA c.1437+1G>A is a canonical splice variant affecting the donor splice site of intron 9. It is predicted to affect mRNA splicing, leading to a deleterious effect on the GAA protein. This variant has been observed in at least one proband with a GAA-related disorder in the compound heterozygous and/or homozygous state (PMID:28266734;22676651;33073003). At least one splicing study has demonstrated that this variant results in aberrant splicing (PMID:22676651). It is absent or not present at a significant frequency in gnomAD. In conclusion, we classify GAA c.1437+1G>A as a likely pathogenic variant.

Labcorp Genetics (formerly Invitae), Labcorp
Classification: Pathogenic for Glycogen storage disease, type II. Last evaluated: 2025-05-22. Review status: criteria provided, single submitter. Criteria: Invitae Variant Classification Sherloc (09022015). Collection method: clinical testing. Allele origin: germline. Not counted in ClinVar's aggregate classification.
Comment: This sequence change affects a donor splice site in intron 9 of the GAA gene. It is expected to disrupt RNA splicing. Variants that disrupt the donor or acceptor splice site typically lead to a loss of protein function (PMID: 16199547), and loss-of-function variants in GAA are known to be pathogenic (PMID: 18425781, 22252923). This variant is not present in population databases (gnomAD no frequency). Disruption of this splice site has been observed in individuals with Pompe disease (PMID: 11343339, 18429042, 22252923). ClinVar contains an entry for this variant (Variation ID: 555864). Algorithms developed to predict the effect of sequence changes on RNA splicing suggest that this variant may disrupt the consensus splice site. For these reasons, this variant has been classified as Pathogenic.

Revvity Omics, Revvity
Classification: Pathogenic. Last evaluated: 2025-01-23. Review status: criteria provided, single submitter. Criteria: ACMG Guidelines, 2015. Collection method: clinical testing. Allele origin: germline. Not counted in ClinVar's aggregate classification.

GeneDx
Classification: Pathogenic. Last evaluated: 2024-03-15. Review status: criteria provided, single submitter. Criteria: GeneDx Variant Classification Process June 2021. Collection method: clinical testing. Allele origin: germline. Affected: yes. Not counted in ClinVar's aggregate classification.
Comment: Canonical splice site variant resulting in an in-frame loss of the adjacent exon in a gene for which loss of function is a known mechanism of disease (PMID: 22676651); Not observed at significant frequency in large population cohorts (gnomAD); This variant is associated with the following publications: (PMID: 22252923, 23430949, 11343339, 33073027, 19343043, 22253258, 31342611, 22676651, 33073007, 18429042, 22555271, 28266734)

Women's Health and Genetics/Laboratory Corporation of America, LabCorp
Classification: Pathogenic for Glycogen storage disease, type II. Last evaluated: 2021-04-10. Review status: criteria provided, single submitter. Criteria: LabCorp Variant Classification Summary - May 2015. Collection method: clinical testing. Allele origin: germline. Not counted in ClinVar's aggregate classification.
Comment: Variant summary: GAA c.1437+1G>A is located in a canonical splice-site and is predicted to affect mRNA splicing resulting in a significantly altered protein due to either exon skipping, shortening, or inclusion of intronic material. Several computational tools predict a significant impact on normal splicing: Four predict the variant abolishes a 5' splicing donor site. However, these predictions have yet to be confirmed by functional studies. The variant allele was found at a frequency of 4e-06 in 248246 control chromosomes. c.1437+1G>A has been reported in the literature in individuals affected with Glycogen Storage Disease, Type 2 (Pompe Disease) (example, Reuser_2019). These data indicate that the variant is likely to be associated with disease. To our knowledge, no experimental evidence demonstrating an impact on protein function has been reported. Two clinical diagnostic laboratories have submitted clinical-significance assessments for this variant to ClinVar after 2014 without evidence for independent evaluation. All laboratories classified the variant as pathogenic/likely pathogenic. Based on the evidence outlined above, the variant was classified as pathogenic.

Broad Center for Mendelian Genomics, Broad Institute of MIT and Harvard
Classification: Likely pathogenic for Glycogen storage disease, type II. Last evaluated: 2020-01-22. Review status: criteria provided, single submitter. Criteria: ACMG Guidelines, 2015. Collection method: curation. Allele origin: germline. Inheritance: Autosomal recessive inheritance. Not counted in ClinVar's aggregate classification.
Comment: The c.1437+1G>A variang in GAA has been reported in 4 individuals with glycogen storage disease II (PMID: 22555271, 28266734, 22676651, 22252923) and has been reported in ClinVar as pathogenic by Counsyl (VariationID: 555864). This variant has been identified in 0.003% (1/34538) Latino chromosomes by the Genome Aggregation Database (gnomAD; dbSNP rs1555600575). Although this variant has been seen in the general population, its frequency is low enough to be consistent with a recessive carrier frequency. In vitro functional studies using an expression vector system demonstrating abnormal splicing provide some evidence that the c.1437+1G>A variant may impact protein function (PMID: 11343339). This variant occurs in the invariant region (+/- 1/2) of the splice consensus sequence and is predicted to cause skipping of exon 9 leading to an absent protein (PMID: 22676651, 22252923, 11343339). Loss of function of the GAA gene is an established disease mechanism in autosomal recessive glycogen storage disease II. In summary, although additional studies are required to fully establish its clinical significance, this variant is likely pathogenic. ACMG/AMP Criteria applied: PVS1_strong, PM2 (Richards 2015).

Counsyl
Classification: Pathogenic for Glycogen storage disease, type II. Last evaluated: 2017-12-29. Review status: no assertion criteria provided. Collection method: clinical testing. Allele origin: unknown. Not counted in ClinVar's aggregate classification.

Literature cited by the submitters: PubMed 28266734 (cited by Genomenon, Inc); PubMed 22676651 (cited by 3 submitters); PubMed 33073003 (cited by Genomenon, Inc); PubMed 16199547 (cited by Labcorp Genetics (formerly Invitae), Labcorp); PubMed 18425781 (cited by Labcorp Genetics (formerly Invitae), Labcorp); PubMed 22252923 (cited by 3 submitters); PubMed 11343339 (cited by Labcorp Genetics (formerly Invitae), Labcorp); PubMed 18429042 (cited by Labcorp Genetics (formerly Invitae), Labcorp); PubMed 22555271 (cited by Women's Health and Genetics/Laboratory Corporation of America, LabCorp and Counsyl); PubMed 31342611 (cited by Women's Health and Genetics/Laboratory Corporation of America, LabCorp); PubMed 33073007 (cited by Women's Health and Genetics/Laboratory Corporation of America, LabCorp).

NM_000152.5(GAA):c.1437+1G>A

Gene: GAA (alpha glucosidase; plus strand). Cytogenetic location: 17q25.3.
Variant type: single nucleotide variant.
Coding change: c.1437+1G>A on transcript NM_000152.5 (MANE Select); the canonical splice donor site of the intron after coding-DNA position 1437, G replaced by A.
Molecular consequence: splice donor variant.
Genome position (GRCh38, 1-based): chr17:80,110,056, G>A. VCF-style: chr17-80110056-G-A. GRCh37 (hg19) VCF-style: chr17-78083855-G-A.
Other names: c.1437+1G>A (NM_001406741.1, NM_001406742.1, NM_001079803.3 and 1 more transcripts).
Identifiers: ClinVar variation 555864 (VCV000555864.25), dbSNP rs1555600575, ClinGen allele CA401366675.